The following is an entry in ClinVar:

ClinVar aggregate classification (germline): Benign/Likely benign. Review status: criteria provided, multiple submitters, no conflicts (2 of 4 stars). 5 submissions from 5 submitters: Benign (2); Likely benign (3). Last evaluated 2026-02-04.

Conditions:
FANCD2-related disorder. Also called: FANCD2-related condition.
Fanconi anemia (FA). Also called: Fanconi's anemia. Identifiers: Orphanet 84, MedGen C0015625, MeSH D005199, MONDO:0019391.

Allele frequency attached by ClinVar (database versions not stated): TOPMed 0.00033; gnomAD exomes 0.00072 and 0.00025; 1000 Genomes Project 30x 0.00078; 1000 Genomes Project 0.00080; ExAC 0.00080; gnomAD 0.00017 and 0.00029.
gnomAD v4.1: 406 of 1,613,264 alleles (0.025%); highest among the groups gnomAD compares: East Asian, 0.71%; 4 homozygotes.

Submissions (5):

Labcorp Genetics (formerly Invitae), Labcorp
Classification: Benign for Fanconi anemia. Last evaluated: 2026-02-04. Review status: criteria provided, single submitter. Criteria: Invitae Variant Classification Sherloc (09022015). Collection method: clinical testing. Allele origin: germline.

PreventionGenetics, part of Exact Sciences
Classification: Likely benign for FANCD2-related condition. Last evaluated: 2025-09-11. Review status: criteria provided, single submitter. Criteria: ACMG Guidelines, 2015. Collection method: clinical testing. Allele origin: germline.
Comment: This variant is classified as likely benign based on ACMG/AMP sequence variant interpretation guidelines (Richards et al. 2015 PMID: 25741868, with internal and published modifications).

Blueprint Genetics
Classification: Likely benign. Last evaluated: 2024-10-31. Review status: criteria provided, single submitter. Criteria: ACMG Guidelines, 2015. Collection method: clinical testing. Allele origin: germline.

CeGaT Center for Human Genetics Tuebingen
Classification: Likely benign. Last evaluated: 2023-03-01. Review status: criteria provided, single submitter. Criteria: CeGaT Center For Human Genetics Tuebingen Variant Classification Criteria Version 2. Collection method: clinical testing. Allele origin: germline. Affected: yes. Observed: 1 variant allele.
Comment: FANCD2: BP4, BS2

Sema4
Classification: Benign for Fanconi anemia. Last evaluated: 2020-10-09. Review status: criteria provided, single submitter. Criteria: Sema4 Curation Guidelines. Collection method: curation. Allele origin: germline.

NM_001018115.3(FANCD2):c.2723C>T (p.Thr908Ile)

Genes: FANCD2 (FA complementation group D2; plus strand), LOC107303338 (3p25 FANCD2 Alu-mediated recombination region; plus strand). Cytogenetic location: 3p25.3.
Variant type: single nucleotide variant.
Coding change: c.2723C>T on transcript NM_001018115.3 (MANE Select); coding-DNA position 2723, C replaced by T.
Protein change: p.Thr908Ile; replaces threonine 908 with isoleucine.
Molecular consequence: missense variant.
Genome position (GRCh38, 1-based): chr3:10,074,537, C>T. VCF-style: chr3-10074537-C-T. GRCh37 (hg19) VCF-style: chr3-10116221-C-T.
Other names: c.2723C>T, p.Thr908Ile (NM_001319984.2, NM_001374254.1, NM_033084.6); c.2612C>T, p.Thr871Ile (NM_001374253.1); c.2723C>T (NM_001018115.2); short protein forms T908I, T871I.
Identifiers: ClinVar variation 456353 (VCV000456353.38), dbSNP rs188375397, ClinGen allele CA2250175.